The following is an entry in ClinVar:

ClinVar aggregate classification (germline): Uncertain significance (1 of 4 stars; one submission).

Allele frequency attached by ClinVar (database versions not stated): gnomAD exomes below 0.00001; gnomAD 0.00001; TOPMed 0.00001; ESP Exome Variant Server 0.00008.
gnomAD v4.1: 6 of 1,613,418 alleles (0.00037%); highest among the groups gnomAD compares: Non-Finnish European, 0.00051%; no homozygotes.

Submission:

Labcorp Genetics (formerly Invitae), Labcorp
Classification: Uncertain significance. Last evaluated: 2025-07-28. Review status: criteria provided, single submitter. Criteria: Invitae Variant Classification Sherloc (09022015). Collection method: clinical testing. Allele origin: germline.
Comment: This sequence change replaces arginine, which is basic and polar, with glutamine, which is neutral and polar, at codon 491 of the ITPR1 protein (p.Arg491Gln). This variant is present in population databases (rs368765538, gnomAD 0.0009%). This variant has not been reported in the literature in individuals affected with ITPR1-related conditions. ClinVar contains an entry for this variant (Variation ID: 1937812). Invitae Evidence Modeling of protein sequence and biophysical properties (such as structural, functional, and spatial information, amino acid conservation, physicochemical variation, residue mobility, and thermodynamic stability) indicates that this missense variant is expected to disrupt ITPR1 protein function with a positive predictive value of 95%. In summary, the available evidence is currently insufficient to determine the role of this variant in disease. Therefore, it has been classified as a Variant of Uncertain Significance.

NM_001378452.1(ITPR1):c.1517G>A (p.Arg506Gln)

Gene: ITPR1 (inositol 1,4,5-trisphosphate receptor type 1; plus strand). Cytogenetic location: 3p26.1.
Variant type: single nucleotide variant.
Coding change: c.1517G>A on transcript NM_001378452.1 (MANE Select); coding-DNA position 1517, G replaced by A.
Protein change: p.Arg506Gln; replaces arginine 506 with glutamine.
Molecular consequence: missense variant.
Genome position (GRCh38, 1-based): chr3:4,663,169, G>A. VCF-style: chr3-4663169-G-A. GRCh37 (hg19) VCF-style: chr3-4704853-G-A.
Other names: c.1517G>A, p.Arg506Gln (NM_001099952.4); c.1472G>A, p.Arg491Gln (NM_001168272.2, NM_002222.7); short protein forms R506Q, R491Q.
Identifiers: ClinVar variation 1937812 (VCV001937812.5), dbSNP rs368765538, ClinGen allele CA68812518.